The following is an entry in ClinVar:

NM_212552.3(BOLA3):c.82A>G (p.Thr28Ala)

Gene: BOLA3 (bolA family member 3; minus strand). Cytogenetic location: 2p13.1.
Variant type: single nucleotide variant.
Coding change: c.82A>G on transcript NM_212552.3 (MANE Select); coding-DNA position 82, A replaced by G.
Protein change: p.Thr28Ala; replaces threonine 28 with alanine.
Molecular consequence: missense variant.
Genome position (GRCh38, 1-based): chr2:74,145,276, T>C on the plus strand (A>G on the coding strand, the complement: BOLA3 is on the minus strand). VCF-style: chr2-74145276-T-C. GRCh37 (hg19) VCF-style: chr2-74372403-T-C.
Other names: c.82A>G, p.Thr28Ala (NM_001035505.2); short protein forms T28A.
Identifiers: ClinVar variation 1401092 (VCV001401092.9), dbSNP rs1692523487, ClinGen allele CA347312677.

ClinVar aggregate classification (germline): Uncertain significance (1 of 4 stars; one submission).

Allele frequency attached by ClinVar (database versions not stated): gnomAD exomes below 0.00001; TOPMed below 0.00001.

Submission:

Labcorp Genetics (formerly Invitae), Labcorp
Classification: Uncertain significance. Last evaluated: 2021-12-02. Review status: criteria provided, single submitter. Criteria: Invitae Variant Classification Sherloc (09022015). Collection method: clinical testing. Allele origin: germline.
Comment: In summary, the available evidence is currently insufficient to determine the role of this variant in disease. Therefore, it has been classified as a Variant of Uncertain Significance. Algorithms developed to predict the effect of missense changes on protein structure and function (SIFT, PolyPhen-2, Align-GVGD) all suggest that this variant is likely to be tolerated. This variant has not been reported in the literature in individuals affected with BOLA3-related conditions. This variant is not present in population databases (gnomAD no frequency). This sequence change replaces threonine, which is neutral and polar, with alanine, which is neutral and non-polar, at codon 28 of the BOLA3 protein (p.Thr28Ala).